The following is an entry in ClinVar:

NM_015425.6(POLR1A):c.137C>T (p.Ser46Leu)

Gene: POLR1A (RNA polymerase I subunit A; minus strand). Cytogenetic location: 2p11.2.
Variant type: single nucleotide variant.
Coding change: c.137C>T on transcript NM_015425.6 (MANE Select); coding-DNA position 137, C replaced by T.
Protein change: p.Ser46Leu; replaces serine 46 with leucine.
Molecular consequence: missense variant.
Genome position (GRCh38, 1-based): chr2:86,100,113, G>A on the plus strand (C>T on the coding strand, the complement: POLR1A is on the minus strand). VCF-style: chr2-86100113-G-A. GRCh37 (hg19) VCF-style: chr2-86327236-G-A.
Other names: short protein forms S46L.
Identifiers: ClinVar variation 4755762 (VCV004755762.1).

ClinVar aggregate classification (germline): Uncertain significance (1 of 4 stars; one submission).

gnomAD v4.1: 5 of 1,614,010 alleles (0.00031%); highest among the groups gnomAD compares: East Asian, 0.0022%; no homozygotes.

Submission:

GeneDx
Classification: Uncertain significance. Last evaluated: 2025-08-03. Review status: criteria provided, single submitter. Criteria: GeneDx Variant Classification Process June 2021. Collection method: clinical testing. Allele origin: germline. Affected: yes.
Comment: Not observed at significant frequency in large population cohorts (gnomAD); In silico analysis suggests that this missense variant does not alter protein structure/function; Has not been previously published as pathogenic or benign to our knowledge